The following is an entry in ClinVar:

NM_001273.5(CHD4):c.421G>A (p.Asp141Asn)

Gene: CHD4 (chromodomain helicase DNA binding protein 4; minus strand). Cytogenetic location: 12p13.31.
Variant type: single nucleotide variant.
Coding change: c.421G>A on transcript NM_001273.5 (MANE Select); coding-DNA position 421, G replaced by A.
Protein change: p.Asp141Asn; replaces aspartic acid 141 with asparagine.
Molecular consequence: missense variant.
Genome position (GRCh38, 1-based): chr12:6,601,977, C>T on the plus strand (G>A on the coding strand, the complement: CHD4 is on the minus strand). VCF-style: chr12-6601977-C-T. GRCh37 (hg19) VCF-style: chr12-6711143-C-T.
Other names: c.400G>A, p.Asp134Asn (NM_001297553.2); c.421G>A, p.Asp141Asn (NM_001363606.2); short protein forms D134N, D141N.
Identifiers: ClinVar variation 3906574 (VCV003906574.1).

ClinVar aggregate classification (germline): Uncertain significance (1 of 4 stars; one submission).

Submission:

GeneDx
Classification: Uncertain significance. Last evaluated: 2024-12-16. Review status: criteria provided, single submitter. Criteria: GeneDx Variant Classification Process June 2021. Collection method: clinical testing. Allele origin: germline. Affected: yes.
Comment: Not observed at significant frequency in large population cohorts (gnomAD); In silico analysis indicates that this missense variant does not alter protein structure/function; Has not been previously published as pathogenic or benign to our knowledge